The following is an entry in ClinVar:

ClinVar aggregate classification (germline): Uncertain significance (1 of 4 stars; one submission).

Submission:

Labcorp Genetics (formerly Invitae), Labcorp
Classification: Uncertain significance. Last evaluated: 2025-09-02. Review status: criteria provided, single submitter. Criteria: Invitae Variant Classification Sherloc (09022015). Collection method: clinical testing. Allele origin: germline.
Comment: This sequence change replaces tryptophan, which is neutral and slightly polar, with cysteine, which is neutral and slightly polar, at codon 503 of the CLCN7 protein (p.Trp503Cys). This variant is not present in population databases (gnomAD no frequency). This variant has not been reported in the literature in individuals affected with CLCN7-related conditions. ClinVar contains an entry for this variant (Variation ID: 1368544). Invitae Evidence Modeling of protein sequence and biophysical properties (such as structural, functional, and spatial information, amino acid conservation, physicochemical variation, residue mobility, and thermodynamic stability) indicates that this missense variant is expected to disrupt CLCN7 protein function with a positive predictive value of 95%. In summary, the available evidence is currently insufficient to determine the role of this variant in disease. Therefore, it has been classified as a Variant of Uncertain Significance.

NM_001287.6(CLCN7):c.1509G>T (p.Trp503Cys)

Gene: CLCN7 (chloride voltage-gated channel 7; minus strand). Cytogenetic location: 16p13.3.
Variant type: single nucleotide variant.
Coding change: c.1509G>T on transcript NM_001287.6 (MANE Select); coding-DNA position 1509, G replaced by T.
Protein change: p.Trp503Cys; replaces tryptophan 503 with cysteine.
Molecular consequence: missense variant.
Genome position (GRCh38, 1-based): chr16:1,450,605, C>A on the plus strand (G>T on the coding strand, the complement: CLCN7 is on the minus strand). VCF-style: chr16-1450605-C-A. GRCh37 (hg19) VCF-style: chr16-1500606-C-A.
Other names: c.1437G>T, p.Trp479Cys (NM_001114331.3); short protein forms W479C, W503C.
Identifiers: ClinVar variation 1368544 (VCV001368544.6), dbSNP rs2142371359, ClinGen allele CA394187639.